The following is an entry in ClinVar:

ClinVar aggregate classification (germline): Pathogenic (1 of 4 stars; one submission).

Submission:

Labcorp Genetics (formerly Invitae), Labcorp
Classification: Pathogenic. Last evaluated: 2024-09-06. Review status: criteria provided, single submitter. Criteria: Invitae Variant Classification Sherloc (09022015). Collection method: clinical testing. Allele origin: germline.
Comment: This sequence change results in a frameshift in the PHF21A gene (p.Gln675Argfs*81). While this is not anticipated to result in nonsense mediated decay, it is expected to disrupt the last 6 amino acid(s) of the PHF21A protein and extend the protein by 74 additional amino acid residues. This variant is not present in population databases (gnomAD no frequency). This frameshift has been observed in individual(s) with clinical features of PHF21A-related conditions (PMID: 31649809). In at least one individual the variant was observed to be de novo. For these reasons, this variant has been classified as Pathogenic.

Literature cited by the submitters: PubMed 31649809.

NM_001352027.3(PHF21A):c.2027del (p.Gln676fs)

Gene: PHF21A (PHD finger protein 21A; minus strand). Cytogenetic location: 11p11.2.
Variant type: Deletion.
Coding change: c.2027del on transcript NM_001352027.3 (MANE Select); coding-DNA position 2027, one base deleted (A; older notation c.2027delA).
Protein change: p.Gln676fs; shifts the reading frame from glutamine 676.
Molecular consequence: frameshift variant. On other transcripts: non-coding transcript variant (2).
Genome position (GRCh38, 1-based): chr11:45,933,987, T deleted on the plus strand (A on the coding strand, the reverse complement: PHF21A is on the minus strand). VCF-style (leftmost placement, unchanged base first): chr11-45933986-CT-C. GRCh37 (hg19) VCF-style: chr11-45955537-CT-C.
Other names: c.2024del, p.Gln675fs (NM_001101802.3); c.2027del, p.Gln676fs (NM_001352025.3, NM_001352026.3); c.1886del, p.Gln629fs (NM_001352028.1, NM_001352029.1, NM_016621.5); c.1883del, p.Gln628fs (NM_001352030.3, NM_001352031.3, NM_001352032.3); short protein forms Q628fs, Q629fs, Q675fs, Q676fs.
Identifiers: ClinVar variation 3609679 (VCV003609679.2).